The following is an entry in ClinVar:

ClinVar aggregate classification (germline): Uncertain significance (1 of 4 stars; one submission).

Conditions:
Hereditary cancer-predisposing syndrome. Also called: Neoplastic Syndromes, Hereditary; Tumor predisposition; Hereditary neoplastic syndrome; Hereditary Cancer Syndrome. Identifiers: Orphanet 140162, MedGen C0027672, MeSH D009386, MONDO:0015356.

Submission:

Ambry Genetics
Classification: Uncertain significance for Hereditary cancer-predisposing syndrome. Last evaluated: 2024-02-29. Review status: criteria provided, single submitter. Criteria: Ambry Variant Classification Scheme 2023. Collection method: clinical testing. Allele origin: germline.
Comment: The p.A3D variant (also known as c.8C>A), located in coding exon 1 of the TMEM127 gene, results from a C to A substitution at nucleotide position 8. The alanine at codon 3 is replaced by aspartic acid, an amino acid with dissimilar properties. This amino acid position is well conserved in available vertebrate species. In addition, the in silico prediction for this alteration is inconclusive. Based on the available evidence, the clinical significance of this alteration remains unclear.

NM_017849.4(TMEM127):c.8C>A (p.Ala3Asp)

Genes: TMEM127 (transmembrane protein 127; minus strand), LOC129934333 (ATAC-STARR-seq lymphoblastoid silent region 11759; plus strand). Cytogenetic location: 2q11.2.
Variant type: single nucleotide variant.
Coding change: c.8C>A on transcript NM_017849.4 (MANE Select); coding-DNA position 8, C replaced by A.
Protein change: p.Ala3Asp; replaces alanine 3 with aspartic acid.
Molecular consequence: missense variant. On other transcripts: intron variant (1).
Genome position (GRCh38, 1-based): chr2:96,265,374, G>T on the plus strand (C>A on the coding strand, the complement: TMEM127 is on the minus strand). VCF-style: chr2-96265374-G-T. GRCh37 (hg19) VCF-style: chr2-96931112-G-T.
Other names: c.8C>A, p.Ala3Asp (NM_001193304.3); c.-9+495C>A (NM_001407283.1); short protein forms A3D.
Identifiers: ClinVar variation 3227098 (VCV003227098.1), dbSNP rs1553437754, ClinGen allele CA347656350.
Genomic context (GRCh38, chr2:96,265,374, plus strand): 5'-AGAGCGCTGCCTCCCGGGCTCCTCCGCCGGCGCCCGCCGGGCAGCCCTGCGCCTCCGGGG[G>T]CGTACATGCCCGGGGCCGCCCGCCGTCGCTCCGCAGTCGCTGCTGGTCGCCGCCGACCTC-3'
Protein context (NP_060319.1, residues 1-13): MY[Ala3Asp]PGGAGLPGGR